The following is an entry in ClinVar:

ClinVar aggregate classification (germline): Uncertain significance. Review status: criteria provided, multiple submitters, no conflicts (2 of 4 stars). 2 submissions from 2 submitters: Uncertain significance (2). Last evaluated 2023-06-27.

Conditions:
Glycogen storage disease type X (GSD10). Also called: Glycogen storage disease due to phosphoglycerate mutase deficiency; Dimauro disease; GSD X; MYOPATHY DUE TO PHOSPHOGLYCERATE MUTASE DEFICIENCY; PGAMM DEFICIENCY; PHOSPHOGLYCERATE MUTASE, MUSCLE, DEFICIENCY OF. Identifiers: Orphanet 97234, MedGen C0268149, MONDO:0009865, OMIM 261670.

Allele frequency attached by ClinVar (database versions not stated): ExAC 0.00002; gnomAD exomes 0.00004; gnomAD 0.00006; TOPMed 0.00007.
gnomAD v4.1: 30 of 1,614,048 alleles (0.0019%); highest among the groups gnomAD compares: Admixed American, 0.045%; no homozygotes.

Submissions (2):

Baylor Genetics
Classification: Uncertain significance for Glycogen storage disease type X. Last evaluated: 2023-06-27. Review status: criteria provided, single submitter. Criteria: ACMG Guidelines, 2015. Collection method: clinical testing. Allele origin: unknown.

Labcorp Genetics (formerly Invitae), Labcorp
Classification: Uncertain significance for Glycogen storage disease type X. Last evaluated: 2022-08-06. Review status: criteria provided, single submitter. Criteria: Invitae Variant Classification Sherloc (09022015). Collection method: clinical testing. Allele origin: germline.
Comment: This sequence change replaces alanine, which is neutral and non-polar, with aspartic acid, which is acidic and polar, at codon 252 of the PGAM2 protein (p.Ala252Asp). This variant is present in population databases (rs752958758, gnomAD 0.03%). This variant has not been reported in the literature in individuals affected with PGAM2-related conditions. ClinVar contains an entry for this variant (Variation ID: 1060608). Algorithms developed to predict the effect of missense changes on protein structure and function are either unavailable or do not agree on the potential impact of this missense change (SIFT: "Deleterious"; PolyPhen-2: "Possibly Damaging"; Align-GVGD: "Class C0"). In summary, the available evidence is currently insufficient to determine the role of this variant in disease. Therefore, it has been classified as a Variant of Uncertain Significance.

NM_000290.4(PGAM2):c.755C>A (p.Ala252Asp)

Genes: DBNL (drebrin like; plus strand), PGAM2 (phosphoglycerate mutase 2; minus strand). Cytogenetic location: 7p13.
Variant type: single nucleotide variant.
Coding change: c.755C>A on transcript NM_000290.4 (MANE Select); coding-DNA position 755, C replaced by A.
Protein change: p.Ala252Asp; replaces alanine 252 with aspartic acid.
Molecular consequence: missense variant. On other transcripts: 3 prime UTR variant (6).
Genome position (GRCh38, 1-based): chr7:44,062,771, G>T on the plus strand (C>A on the coding strand, the complement: PGAM2 is on the minus strand). VCF-style: chr7-44062771-G-T. GRCh37 (hg19) VCF-style: chr7-44102370-G-T.
Other names: c.*1855G>T (NM_001014436.3, NM_001122956.2, NM_001284313.2 and 3 more transcripts); short protein forms A252D.
Identifiers: ClinVar variation 1060608 (VCV001060608.6), dbSNP rs752958758, ClinGen allele CA4236479.